The following is an entry in ClinVar:

ClinVar aggregate classification (germline): Uncertain significance. Review status: criteria provided, multiple submitters, no conflicts (2 of 4 stars). 3 submissions from 3 submitters: Uncertain significance (2). 1 of the submissions does not count toward it. Last evaluated 2024-06-25.

Conditions:
Inborn genetic diseases. Identifiers: MedGen C0950123, MeSH D030342.
Retinal dystrophy. Also called: Inherited retinal dystrophy. Identifiers: Orphanet 71862, MedGen C0854723, MeSH D058499, MONDO:0019118, HP:0000556.

Allele frequency attached by ClinVar (database versions not stated): ExAC 0.00002; TOPMed 0.00003; gnomAD 0.00004 and 0.00005; gnomAD exomes 0.00004; ESP Exome Variant Server 0.00015.
gnomAD v4.1: 74 of 1,613,838 alleles (0.0046%); highest among the groups gnomAD compares: Non-Finnish European, 0.0062%; no homozygotes.

Submissions (3):

Labcorp Genetics (formerly Invitae), Labcorp
Classification: Uncertain significance. Last evaluated: 2024-06-25. Review status: criteria provided, single submitter. Criteria: Invitae Variant Classification Sherloc (09022015). Collection method: clinical testing. Allele origin: germline.
Comment: This sequence change replaces isoleucine, which is neutral and non-polar, with methionine, which is neutral and non-polar, at codon 110 of the FZD4 protein (p.Ile110Met). This variant is present in population databases (rs370591370, gnomAD 0.01%). This variant has not been reported in the literature in individuals affected with FZD4-related conditions. ClinVar contains an entry for this variant (Variation ID: 1056302). Advanced modeling of protein sequence and biophysical properties (such as structural, functional, and spatial information, amino acid conservation, physicochemical variation, residue mobility, and thermodynamic stability) performed at Invitae indicates that this missense variant is not expected to disrupt FZD4 protein function with a negative predictive value of 80%. In summary, the available evidence is currently insufficient to determine the role of this variant in disease. Therefore, it has been classified as a Variant of Uncertain Significance.

Ambry Genetics
Classification: Uncertain significance for Inborn genetic diseases. Last evaluated: 2021-08-04. Review status: criteria provided, single submitter. Criteria: Ambry Variant Classification Scheme 2023. Collection method: clinical testing. Allele origin: germline.

Institute of Human Genetics, Univ. Regensburg, Univ. Regensburg
Classification: Uncertain significance for Retinal dystrophy. Last evaluated: 2022-01-01. Review status: no assertion criteria provided. Criteria: ACMG Guidelines, 2015. Collection method: clinical testing. Allele origin: germline. Affected: yes. Not counted in ClinVar's aggregate classification.

NM_012193.4(FZD4):c.330C>G (p.Ile110Met)

Genes: FZD4 (frizzled class receptor 4; minus strand), PRSS23 (serine protease 23; plus strand). Cytogenetic location: 11q14.2.
Variant type: single nucleotide variant.
Coding change: c.330C>G on transcript NM_012193.4 (MANE Select); coding-DNA position 330, C replaced by G.
Protein change: p.Ile110Met; replaces isoleucine 110 with methionine.
Molecular consequence: missense variant. On other transcripts: non-coding transcript variant (2).
Genome position (GRCh38, 1-based): chr11:86,952,426, G>C on the plus strand (C>G on the coding strand, the complement: FZD4 is on the minus strand). VCF-style: chr11-86952426-G-C. GRCh37 (hg19) VCF-style: chr11-86663468-G-C.
Other names: c.330C>G (NM_012193.3); short protein forms I110M.
Identifiers: ClinVar variation 1056302 (VCV001056302.13), dbSNP rs370591370, ClinGen allele CA6218479.